The following is an entry in ClinVar:

NM_173560.4(RFX6):c.2281C>A (p.Leu761Met)

Gene: RFX6 (regulatory factor X6; plus strand). Cytogenetic location: 6q22.1.
Variant type: single nucleotide variant.
Coding change: c.2281C>A on transcript NM_173560.4 (MANE Select); coding-DNA position 2281, C replaced by A.
Protein change: p.Leu761Met; replaces leucine 761 with methionine.
Molecular consequence: missense variant.
Genome position (GRCh38, 1-based): chr6:116,927,422, C>A. VCF-style: chr6-116927422-C-A. GRCh37 (hg19) VCF-style: chr6-117248585-C-A.
Other names: short protein forms L761M.
Identifiers: ClinVar variation 1967083 (VCV001967083.5), dbSNP rs781040905, ClinGen allele CA365436378.
Genomic context (GRCh38, chr6:116,927,422, plus strand): 5'-AGTGGCAGCTGTGCGGGGTCTCCATATAACTCCCGGCCACCGTCTAGCTATGGCCCATCC[C>A]TGCAAGCCCAGGATTCACACAATATGCAGTTTTTAAATACAGGAAGCTTCAATTTCTTGA-3'
Protein context (NP_775831.2, residues 751-771): SRPPSSYGPS[Leu761Met]QAQDSHNMQF

ClinVar aggregate classification (germline): Uncertain significance (1 of 4 stars; one submission).

Submission:

Labcorp Genetics (formerly Invitae), Labcorp
Classification: Uncertain significance. Last evaluated: 2022-07-02. Review status: criteria provided, single submitter. Criteria: Invitae Variant Classification Sherloc (09022015). Collection method: clinical testing. Allele origin: germline.
Comment: In summary, the available evidence is currently insufficient to determine the role of this variant in disease. Therefore, it has been classified as a Variant of Uncertain Significance. Algorithms developed to predict the effect of missense changes on protein structure and function (SIFT, PolyPhen-2, Align-GVGD) all suggest that this variant is likely to be tolerated. This variant has not been reported in the literature in individuals affected with RFX6-related conditions. This variant is not present in population databases (gnomAD no frequency). This sequence change replaces leucine, which is neutral and non-polar, with methionine, which is neutral and non-polar, at codon 761 of the RFX6 protein (p.Leu761Met).